The following is an entry in ClinVar:

ClinVar aggregate classification (germline): Uncertain significance (1 of 4 stars; one submission).

Conditions:
Leber congenital amaurosis 3 (LCA3). Also called: SPATA7-Related Retinitis Pigmentosa. Identifiers: MedGen C1858677, MONDO:0011415, OMIM 604232.

Allele frequency attached by ClinVar (database versions not stated): gnomAD exomes below 0.00001.
gnomAD v4.1: 1 of 1,614,068 alleles (0.000062%); highest among the groups gnomAD compares: East Asian, 0.0022%; no homozygotes.

Submission:

Labcorp Genetics (formerly Invitae), Labcorp
Classification: Uncertain significance for Leber congenital amaurosis 3. Last evaluated: 2019-11-18. Review status: criteria provided, single submitter. Criteria: Invitae Variant Classification Sherloc (09022015). Collection method: clinical testing. Allele origin: germline.
Comment: In summary, the available evidence is currently insufficient to determine the role of this variant in disease. Therefore, it has been classified as a Variant of Uncertain Significance. Algorithms developed to predict the effect of missense changes on protein structure and function output the following: SIFT: "Tolerated"; PolyPhen-2: "Benign"; Align-GVGD: "Class C0". The proline amino acid residue is found in multiple mammalian species, suggesting that this missense change does not adversely affect protein function. These predictions have not been confirmed by published functional studies and their clinical significance is uncertain. This variant has not been reported in the literature in individuals with SPATA7-related conditions. This variant is not present in population databases (ExAC no frequency). This sequence change replaces leucine with proline at codon 150 of the SPATA7 protein (p.Leu150Pro). The leucine residue is moderately conserved and there is a moderate physicochemical difference between leucine and proline.

NM_018418.5(SPATA7):c.449T>C (p.Leu150Pro)

Gene: SPATA7 (spermatogenesis associated 7; plus strand). Cytogenetic location: 14q31.3.
Variant type: single nucleotide variant.
Coding change: c.449T>C on transcript NM_018418.5 (MANE Select); coding-DNA position 449, T replaced by C.
Protein change: p.Leu150Pro; replaces leucine 150 with proline.
Molecular consequence: missense variant.
Genome position (GRCh38, 1-based): chr14:88,426,308, T>C. VCF-style: chr14-88426308-T-C. GRCh37 (hg19) VCF-style: chr14-88892652-T-C.
Other names: c.353T>C, p.Leu118Pro (NM_001040428.4); short protein forms L118P, L150P.
Identifiers: ClinVar variation 834488 (VCV000834488.9), dbSNP rs2076790271, ClinGen allele CA390561970.
Genomic context (GRCh38, chr14:88,426,308, plus strand): 5'-AAATTGAGGATGACATGTTAAAAGAAGAAATGAATGGATTTTCATCCTTTGCAAGGTCAC[T>C]AGTACCCTCTTCAGAGAGACTACACCTAAGTCTACATAAATCCAGTAAAGTCATCACAAA-3'
Protein context (NP_060888.2, residues 140-160): MNGFSSFARS[Leu150Pro]VPSSERLHLS